The following is an entry in ClinVar:

ClinVar aggregate classification (germline): Uncertain significance (1 of 4 stars; one submission).

Allele frequency attached by ClinVar (database versions not stated): TOPMed 0.00003; ExAC 0.00010.

Submission:

Labcorp Genetics (formerly Invitae), Labcorp
Classification: Uncertain significance. Last evaluated: 2021-12-13. Review status: criteria provided, single submitter. Criteria: Invitae Variant Classification Sherloc (09022015). Collection method: clinical testing. Allele origin: germline.
Comment: This variant is also known as R126Q. This sequence change replaces arginine, which is basic and polar, with glutamine, which is neutral and polar, at codon 161 of the AGTR1 protein (p.Arg161Gln). This variant is present in population databases (rs762020328, gnomAD 0.06%). This missense change has been observed in individual(s) with clinical features of AGTR1-related conditions (PMID: 26489027). Algorithms developed to predict the effect of missense changes on protein structure and function are either unavailable or do not agree on the potential impact of this missense change (SIFT: "Deleterious"; PolyPhen-2: "Not Available"; Align-GVGD: "Class C35"). In summary, the available evidence is currently insufficient to determine the role of this variant in disease. Therefore, it has been classified as a Variant of Uncertain Significance.

Literature cited by the submitters: PubMed 26489027.

NM_000685.5(AGTR1):c.377G>A (p.Arg126Gln)

Gene: AGTR1 (angiotensin II receptor type 1; plus strand). Cytogenetic location: 3q24.
Variant type: single nucleotide variant.
Coding change: c.377G>A on transcript NM_000685.5 (MANE Select); coding-DNA position 377, G replaced by A.
Protein change: p.Arg126Gln; replaces arginine 126 with glutamine.
Molecular consequence: missense variant.
Genome position (GRCh38, 1-based): chr3:148,741,412, G>A. VCF-style: chr3-148741412-G-A. GRCh37 (hg19) VCF-style: chr3-148459199-G-A.
Other names: c.377G>A, p.Arg126Gln (NM_001382736.1, NM_001382737.1, NM_004835.5 and 3 more transcripts); short protein forms R126Q.
Identifiers: ClinVar variation 2196174 (VCV002196174.4), dbSNP rs762020328, ClinGen allele CA2657322.